The following is an entry in ClinVar:

NM_000179.3(MSH6):c.4079_*9dup (p.Leu1360_Ter1361=)

Gene: MSH6 (mutS homolog 6; plus strand). Cytogenetic location: 2p16.3.
Variant type: Duplication.
Coding change: c.4079_*9dup on transcript NM_000179.3 (MANE Select); coding-DNA position 4079 through 9 bases downstream of the stop codon, 14 bases duplicated (TATAGACTGACTAC).
Protein change: p.Leu1360_Ter1361=.
Molecular consequence: no sequence alteration. On other transcripts: 3 prime UTR variant (5), non-coding transcript variant (5).
Genome position (GRCh38, 1-based): chr2:47,806,856-47,806,869, TATAGACTGACTAC duplicated. VCF-style (leftmost placement, unchanged base first): chr2-47806855-T-TTATAGACTGACTAC. GRCh37 (hg19) VCF-style: chr2-48033994-T-TTATAGACTGACTAC.
Other names: c.3173_*9dup, p.Leu1058_Ter1059= (NM_001281494.2, NM_001281493.2, NM_001406811.1 and 6 more transcripts); c.3689_*9dup, p.Leu1230_Ter1231= (NM_001281492.2); c.4175_*9dup, p.Leu1392_Ter1393= (NM_001406795.1); c.4079_*9dup, p.Leu1360_Ter1361= (NM_001406796.1, NM_001406809.1); c.3782_*9dup, p.Leu1261_Ter1262= (NM_001406797.1, NM_001406805.1, NM_001406818.1 and 8 more transcripts); c.3905_*9dup, p.Leu1302_Ter1303= (NM_001406798.1); c.3554_*9dup, p.Leu1185_Ter1186= (NM_001406799.1, NM_001406806.1, NM_001406807.1); c.*100_*113dup (NM_001406800.1); and 9 more.
Identifiers: ClinVar variation 927819 (VCV000927819.9), dbSNP rs1670228993, ClinGen allele CA913188083.

ClinVar aggregate classification (germline): Conflicting classifications of pathogenicity. Review status: criteria provided, conflicting classifications (1 of 4 stars). 3 submissions from 3 submitters: Uncertain significance (1); Benign (1); Likely benign (1). Last evaluated 2025-12-21.

Conditions:
Hereditary cancer-predisposing syndrome. Also called: Neoplastic Syndromes, Hereditary; Hereditary Cancer Syndrome; Tumor predisposition; Hereditary neoplastic syndrome. Identifiers: Orphanet 140162, MedGen C0027672, MeSH D009386, MONDO:0015356.
Lynch syndrome 5 (LYNCH5). Also called: Colorectal cancer, hereditary nonpolyposis, type 5; Hereditary non-polyposis colorectal cancer, type 5. Identifiers: Orphanet 144, MedGen C1833477, MONDO:0013710, OMIM 614350. Disease mechanism: loss of function.
Hereditary nonpolyposis colorectal neoplasms. Identifiers: MedGen C0009405, MeSH D003123.

Submissions (3):

Labcorp Genetics (formerly Invitae), Labcorp
Classification: Uncertain significance for Hereditary nonpolyposis colorectal neoplasms. Last evaluated: 2025-12-21. Review status: criteria provided, single submitter. Criteria: Invitae Variant Classification Sherloc (09022015). Collection method: clinical testing. Allele origin: germline.
Comment: This variant occurs in a non-coding region of the MSH6 gene. It does not change the encoded amino acid sequence of the MSH6 protein. This variant is not present in population databases (gnomAD no frequency). This variant has not been reported in the literature in individuals affected with MSH6-related conditions. ClinVar contains an entry for this variant (Variation ID: 927819). In summary, the available evidence is currently insufficient to determine the role of this variant in disease. Therefore, it has been classified as a Variant of Uncertain Significance.

Myriad Genetics, Inc.
Classification: Benign for Lynch syndrome 5. Last evaluated: 2025-01-09. Review status: criteria provided, single submitter. Criteria: Myriad Autosomal Dominant, Autosomal Recessive and X-Linked Classification Criteria (2023). Collection method: clinical testing. Allele origin: unknown.
Comment: This variant is considered benign. This variant occurs in the non-coding 3' untranslated region of the gene, and is not expected to impact protein function.

Color Diagnostics, LLC DBA Color Health
Classification: Likely benign for Hereditary cancer-predisposing syndrome. Last evaluated: 2017-03-04. Review status: criteria provided, single submitter. Criteria: ACMG Guidelines, 2015. Collection method: clinical testing. Allele origin: germline.